The following is an entry in ClinVar:

ClinVar aggregate classification (germline): Likely benign. Review status: criteria provided, multiple submitters, no conflicts (2 of 4 stars). 3 submissions from 3 submitters: Likely benign (3). Last evaluated 2026-02-01.

Conditions:
Autosomal recessive limb-girdle muscular dystrophy type 2J (LGMDR10). Also called: Limb-girdle muscular dystrophy, type 2J; MUSCULAR DYSTROPHY, LIMB-GIRDLE, AUTOSOMAL RECESSIVE 10. Identifiers: Orphanet 140922, MedGen C1837342, MONDO:0012127, OMIM 608807.
Dilated cardiomyopathy 1G (CMD1G). Identifiers: Orphanet 154, MedGen C1858763, MONDO:0011400, OMIM 604145.

Allele frequency attached by ClinVar (database versions not stated): gnomAD exomes 0.00002 and 0.00004; ExAC 0.00003; gnomAD 0.00004.
gnomAD v4.1: 56 of 1,613,622 alleles (0.0035%); highest among the groups gnomAD compares: Non-Finnish European, 0.0042%; no homozygotes.

Submissions (3):

Labcorp Genetics (formerly Invitae), Labcorp
Classification: Likely benign for Dilated cardiomyopathy 1G; Autosomal recessive limb-girdle muscular dystrophy type 2J. Last evaluated: 2026-02-01. Review status: criteria provided, single submitter. Criteria: Invitae Variant Classification Sherloc (09022015). Collection method: clinical testing. Allele origin: germline.

Blueprint Genetics
Classification: Likely benign. Last evaluated: 2019-03-14. Review status: criteria provided, single submitter. Criteria: ACMG Guidelines, 2015. Collection method: clinical testing. Allele origin: germline.

Laboratory for Molecular Medicine, Mass General Brigham Personalized Medicine
Classification: Likely benign. Last evaluated: 2012-06-28. Review status: criteria provided, single submitter. Criteria: LMM Criteria. Collection method: clinical testing. Allele origin: germline. Observed: 1 variant allele.
Comment: His4082His in exon 51 of TTN: This variant is not expected to have clinical sign ificance because it does not alter an amino acid residue and is not located with in the splice consensus sequence. His4082His in exon 51 of TTN (allele frequen cy = n/a)

NM_001267550.2(TTN):c.15978C>T (p.His5326=)

Gene: TTN (titin; minus strand). Cytogenetic location: 2q31.2.
Variant type: single nucleotide variant.
Coding change: c.15978C>T on transcript NM_001267550.2 (MANE Select); coding-DNA position 15978, C replaced by T.
Protein change: p.His5326=; no amino-acid change (histidine 5326 retained).
Molecular consequence: synonymous variant. On other transcripts: intron variant (3).
Genome position (GRCh38, 1-based): chr2:178,733,315, G>A on the plus strand (C>T on the coding strand, the complement: TTN is on the minus strand). VCF-style: chr2-178733315-G-A. GRCh37 (hg19) VCF-style: chr2-179598042-G-A.
Other names: c.12246C>T, p.His4082= (NM_133378.4); c.15027C>T, p.His5009= (NM_001256850.1); c.13282+4767C>T (NM_003319.4); c.13858+4767C>T (NM_133437.4); c.13657+4767C>T (NM_133432.3).
Identifiers: ClinVar variation 46610 (VCV000046610.24), dbSNP rs397517482, ClinGen allele CA138754.